The following is an entry in ClinVar:

NM_007194.4(CHEK2):c.1225G>A (p.Asp409Asn)

Gene: CHEK2 (checkpoint kinase 2; minus strand). Cytogenetic location: 22q12.1.
Variant type: single nucleotide variant.
Coding change: c.1225G>A on transcript NM_007194.4 (MANE Select); coding-DNA position 1225, G replaced by A.
Protein change: p.Asp409Asn; replaces aspartic acid 409 with asparagine.
Molecular consequence: missense variant.
Genome position (GRCh38, 1-based): chr22:28,695,744, C>T on the plus strand (G>A on the coding strand, the complement: CHEK2 is on the minus strand). VCF-style: chr22-28695744-C-T. GRCh37 (hg19) VCF-style: chr22-29091732-C-T.
Other names: c.1354G>A, p.Asp452Asn (NM_001005735.3); c.562G>A, p.Asp188Asn (NM_001257387.3); c.1024G>A, p.Asp342Asn (NM_001349956.3); c.1138G>A, p.Asp380Asn (NM_145862.3); short protein forms D409N, D452N, D342N, D380N, D188N.
Identifiers: ClinVar variation 232524 (VCV000232524.15), dbSNP rs766191039, ClinGen allele CA10577633.

ClinVar aggregate classification (germline): Uncertain significance. Review status: criteria provided, multiple submitters, no conflicts (2 of 4 stars). 3 submissions from 3 submitters: Uncertain significance (3). Last evaluated 2023-02-23.

Conditions:
Hereditary cancer-predisposing syndrome. Also called: Neoplastic Syndromes, Hereditary; Tumor predisposition; Hereditary Cancer Syndrome; Hereditary neoplastic syndrome. Identifiers: Orphanet 140162, MedGen C0027672, MeSH D009386, MONDO:0015356.
Familial cancer of breast. Also called: BREAST CANCER, FAMILIAL; hereditary breast carcinoma; Hereditary breast cancer. Identifiers: Orphanet 227535, MedGen C0346153, MONDO:0016419, OMIM 114480. Disease mechanism: loss of function.

Submissions (3):

Labcorp Genetics (formerly Invitae), Labcorp
Classification: Uncertain significance for Familial cancer of breast. Last evaluated: 2023-02-23. Review status: criteria provided, single submitter. Criteria: Invitae Variant Classification Sherloc (09022015). Collection method: clinical testing. Allele origin: germline.
Comment: ClinVar contains an entry for this variant (Variation ID: 232524). This missense change has been observed in individual(s) with breast cancer (PMID: 34903604). This variant is not present in population databases (gnomAD no frequency). This sequence change replaces aspartic acid, which is acidic and polar, with asparagine, which is neutral and polar, at codon 409 of the CHEK2 protein (p.Asp409Asn). An algorithm developed to predict the effect of missense changes on protein structure and function (PolyPhen-2) suggests that this variant is likely to be disruptive. In summary, the available evidence is currently insufficient to determine the role of this variant in disease. Therefore, it has been classified as a Variant of Uncertain Significance. Experimental studies have shown that this missense change affects CHEK2 function (PMID: 34903604).

GeneDx
Classification: Uncertain significance. Last evaluated: 2016-01-06. Review status: criteria provided, single submitter. Criteria: GeneDx Variant Classification (06012015). Collection method: clinical testing. Allele origin: germline. Affected: yes.
Comment: This variant is denoted CHEK2 c.1225G>A at the cDNA level, p.Asp409Asn (D409N) at the protein level, and results in the change of an Aspartic Acid to an Asparagine (GAC>AAC). This variant has not, to our knowledge, been published in the literature as pathogenic or benign. CHEK2 Asp409Asn was not observed in approximately 6,500 individuals of European and African American ancestry in the NHLBI Exome Sequencing Project, suggesting it is not a common benign variant in these populations. Since Aspartic Acid and Asparagine differ in some properties, this is considered a semi-conservative amino acid substitution. CHEK2 Asp409Asn occurs at a position that is conserved across species and is located in the protein kinase domain (Roeb 2012, UniProt). In silico analyses predict that this variant is probably damaging to protein structure and function. Based on currently available evidence, it is unclear whether CHEK2 Asp409Asn is a pathogenic or benign variant. We consider it to be a variant of uncertain significance.

Ambry Genetics
Classification: Uncertain significance for Hereditary cancer-predisposing syndrome. Last evaluated: 2015-06-23. Review status: criteria provided, single submitter. Criteria: Ambry Variant Classification Scheme 2023. Collection method: clinical testing. Allele origin: germline.
Comment: The p.D409N variant (also known as c.1225G>A), located in coding exon 10 of the CHEK2 gene, results from a G to A substitution at nucleotide position 1225. The aspartic acid at codon 409 is replaced by asparagine, an amino acid with highly similar properties. This variant was not reported in population based cohorts in the following databases: Database of Single Nucleotide Polymorphisms (dbSNP), NHLBI Exome Sequencing Project (ESP), and 1000 Genomes Project. In the ESP, this variant was not observed in 6499 samples (12998 alleles) with coverage at this position. To date, this alteration has been detected with an allele frequency of approximately 0.001% (greater than 130000 alleles tested) in our clinical cohort. This amino acid position is highly conserved in available vertebrate species. In addition, the in silico prediction for this alteration is inconclusive. Since supporting evidence is limited at this time, the clinical significance of p.D409N remains unclear.

Literature cited by the submitters: PubMed 34903604 (cited by Labcorp Genetics (formerly Invitae), Labcorp).